The following is an entry in ClinVar:

NC_000002.11:g.(?_55544322)_(55546160_?)del

Gene: CCDC88A (coiled-coil domain containing 88A; minus strand). Cytogenetic location: 2p16.1.
Variant type: Deletion.
Identifiers: ClinVar variation 2423798 (VCV002423798.3).

ClinVar aggregate classification (germline): Pathogenic (1 of 4 stars; one submission).

Submission:

Labcorp Genetics (formerly Invitae), Labcorp
Classification: Pathogenic. Last evaluated: 2021-11-23. Review status: criteria provided, single submitter. Criteria: Invitae Variant Classification Sherloc (09022015). Collection method: clinical testing. Allele origin: germline.
Comment: For these reasons, this variant has been classified as Pathogenic. This variant has not been reported in the literature in individuals affected with CCDC88A-related conditions. This variant is a gross deletion of the genomic region encompassing exon(s) 19-21 of the CCDC88A gene. This deletion is out-of-frame, and is expected to create a premature termination codon and result in an absent or disrupted protein product. Loss-of-function variants in CCDC88A are known to be pathogenic (PMID: 26917597, 30392057).

Literature cited by the submitters: PubMed 26917597; PubMed 30392057.